The following is an entry in ClinVar:

NM_199420.4(POLQ):c.6538A>G (p.Ser2180Gly)

Gene: POLQ (DNA polymerase theta; minus strand). Cytogenetic location: 3q13.33.
Variant type: single nucleotide variant.
Coding change: c.6538A>G on transcript NM_199420.4 (MANE Select); coding-DNA position 6538, A replaced by G.
Protein change: p.Ser2180Gly; replaces serine 2180 with glycine.
Molecular consequence: missense variant.
Genome position (GRCh38, 1-based): chr3:121,473,355, T>C on the plus strand (A>G on the coding strand, the complement: POLQ is on the minus strand). VCF-style: chr3-121473355-T-C. GRCh37 (hg19) VCF-style: chr3-121192202-T-C.
Other names: short protein forms S2180G.
Identifiers: ClinVar variation 1754088 (VCV001754088.2), dbSNP rs771659045, ClinGen allele CA2562451.

ClinVar aggregate classification (germline): Uncertain significance (1 of 4 stars; one submission).

Allele frequency attached by ClinVar (database versions not stated): gnomAD 0.00001; gnomAD exomes 0.00001; TOPMed 0.00001; ExAC 0.00002.
gnomAD v4.1: 9 of 1,612,444 alleles (0.00056%); highest among the groups gnomAD compares: Non-Finnish European, 0.00076%; no homozygotes.

Submission:

Ambry Genetics
Classification: Uncertain significance. Last evaluated: 2023-11-23. Review status: criteria provided, single submitter. Criteria: Ambry Variant Classification Scheme 2023. Collection method: clinical testing. Allele origin: germline.
Comment: The p.S2180G variant (also known as c.6538A>G), located in coding exon 21 of the POLQ gene, results from an A to G substitution at nucleotide position 6538. The serine at codon 2180 is replaced by glycine, an amino acid with similar properties. This amino acid position is conserved. In addition, this alteration is predicted to be tolerated by in silico analysis. Since supporting evidence is limited at this time, the clinical significance of this alteration remains unclear.